The following is an entry in ClinVar:

NM_005228.5(EGFR):c.1468A>G (p.Ile490Val)

Gene: EGFR (epidermal growth factor receptor; plus strand). Cytogenetic location: 7p11.2.
Variant type: single nucleotide variant.
Coding change: c.1468A>G on transcript NM_005228.5 (MANE Select); coding-DNA position 1468, A replaced by G.
Protein change: p.Ile490Val; replaces isoleucine 490 with valine.
Molecular consequence: missense variant.
Genome position (GRCh38, 1-based): chr7:55,160,308, A>G. VCF-style: chr7-55160308-A-G. GRCh37 (hg19) VCF-style: chr7-55228001-A-G.
Other names: c.1333A>G, p.Ile445Val (NM_001346897.2, NM_001346899.2); c.1468A>G, p.Ile490Val (NM_001346898.2, NM_201282.2, NM_201284.2); c.1309A>G, p.Ile437Val (NM_001346900.2); c.667A>G, p.Ile223Val (NM_001346941.2); short protein forms I223V, I437V, I445V, I490V.
Identifiers: ClinVar variation 4870286 (VCV004870286.1).

ClinVar aggregate classification (germline): Uncertain significance (1 of 4 stars; one submission).

Conditions:
Hereditary cancer-predisposing syndrome. Also called: Neoplastic Syndromes, Hereditary; Tumor predisposition; Hereditary Cancer Syndrome; Hereditary neoplastic syndrome. Identifiers: Orphanet 140162, MedGen C0027672, MeSH D009386, MONDO:0015356.

Submission:

Ambry Genetics
Classification: Uncertain significance for Hereditary cancer-predisposing syndrome. Last evaluated: 2026-05-28. Review status: criteria provided, single submitter. Criteria: Ambry Variant Classification Scheme 2023. Collection method: clinical testing. Allele origin: germline.
Comment: The p.I490V variant (also known as c.1468A>G), located in coding exon 12 of the EGFR gene, results from an A to G substitution at nucleotide position 1468. The isoleucine at codon 490 is replaced by valine, an amino acid with highly similar properties. This amino acid position is conserved. In addition, this alteration is predicted to be tolerated by in silico analysis. Based on the available evidence, the clinical significance of this variant remains unclear.